The following is an entry in ClinVar:

NM_018196.4(TMLHE):c.229C>T (p.Arg77Ter)

Gene: TMLHE (trimethyllysine hydroxylase, epsilon; minus strand). Cytogenetic location: Xq28.
Variant type: single nucleotide variant.
Coding change: c.229C>T on transcript NM_018196.4 (MANE Select); coding-DNA position 229, C replaced by T.
Protein change: p.Arg77Ter; replaces arginine 77 with a stop codon.
Molecular consequence: nonsense.
Genome position (GRCh38, 1-based): chrX:155,524,585, G>A on the plus strand (C>T on the coding strand, the complement: TMLHE is on the minus strand). VCF-style: chrX-155524585-G-A. GRCh37 (hg19) VCF-style: chrX-154754246-G-A.
Other names: c.229C>T, p.Arg77Ter (NM_001184797.2); short protein forms R77*.
Identifiers: ClinVar variation 225228 (VCV000225228.3), dbSNP rs781889971, ClinGen allele CA358673.

ClinVar aggregate classification (germline): Uncertain significance. Review status: criteria provided, multiple submitters, no conflicts (2 of 4 stars). 3 submissions from 3 submitters: Uncertain significance (2). 1 of the submissions does not count toward it. Last evaluated 2020-09-10.

Conditions:
Epsilon-trimethyllysine hydroxylase deficiency. Also called: Autism, susceptibility to, X-linked 6. Identifiers: MedGen C3550875, MONDO:0010469, OMIM 300872.
Intellectual disability. Also called: Intellectual functioning disability; Intellectual developmental disorder; intellectual disabilities. Identifiers: MedGen C3714756, MeSH D008607, MONDO:0001071, HP:0001249.

Allele frequency attached by ClinVar (database versions not stated): ExAC 0.00008; gnomAD 0.00005; gnomAD exomes 0.00008; TOPMed 0.00008.
gnomAD v4.1: 112 of 1,202,187 alleles (0.0093%); highest among the groups gnomAD compares: Admixed American, 0.027%; no homozygotes.

Submissions (3):

Diagnostic Laboratory, Strasbourg University Hospital
Classification: Uncertain significance for Intellectual disability. Last evaluated: 2020-09-10. Review status: criteria provided, single submitter. Criteria: ACMG Guidelines, 2015. Collection method: clinical testing. Allele origin: maternal. Affected: yes. Observed: 1 hemizygote.

GeneDx
Classification: Uncertain significance. Last evaluated: 2018-10-23. Review status: criteria provided, single submitter. Criteria: GeneDx Variant Classification (06012015). Collection method: clinical testing. Allele origin: germline. Affected: yes.
Comment: The R77X variant in the TMLHE gene has been reported previously in two male siblings with autism and moderate intellectual disability who had elevated 6-N-trimethyllysine, the TMLHE substrate; however, these individuals harbored additional variants in other x-linked genes that may also have contributed to the autism and intellectual disability (Nava et al., 2012). This variant may cause loss of normal protein function either through protein truncation or nonsense-mediated mRNA decay. The R77X variant was not observed in approximately 6500 individuals of European and African American ancestry in the NHLBI Exome Sequencing Project, indicating it is not a common benign variant in these populations. We interpret R77X as a variant of uncertain significance.

OMIM
Classification: risk factor for AUTISM, SUSCEPTIBILITY TO, X-LINKED 6. Last evaluated: 2012-10-23. Review status: no assertion criteria provided. Collection method: literature only. Allele origin: germline. Not counted in ClinVar's aggregate classification.

Literature cited by the submitters: PubMed 23092983 (cited by OMIM).